The following is an entry in ClinVar:

NM_000293.3(PHKB):c.445C>T (p.Leu149Phe)

Gene: PHKB (phosphorylase kinase regulatory subunit beta; plus strand). Cytogenetic location: 16q12.1.
Variant type: single nucleotide variant.
Coding change: c.445C>T on transcript NM_000293.3 (MANE Select); coding-DNA position 445, C replaced by T.
Protein change: p.Leu149Phe; replaces leucine 149 with phenylalanine.
Molecular consequence: missense variant.
Genome position (GRCh38, 1-based): chr16:47,511,704, C>T. VCF-style: chr16-47511704-C-T. GRCh37 (hg19) VCF-style: chr16-47545615-C-T.
Other names: c.424C>T, p.Leu142Phe (NM_001031835.3); c.445C>T, p.Leu149Phe (NM_001363837.1); short protein forms L149F, L142F.
Identifiers: ClinVar variation 884838 (VCV000884838.9), dbSNP rs370363309, ClinGen allele CA8040489.

ClinVar aggregate classification (germline): Uncertain significance. Review status: criteria provided, multiple submitters, no conflicts (2 of 4 stars). 4 submissions from 4 submitters: Uncertain significance (4). Last evaluated 2024-11-14.

Conditions:
Inborn genetic diseases. Identifiers: MedGen C0950123, MeSH D030342.
Glycogen storage disease IXb (GSD9B). Also called: GLYCOGENOSIS OF LIVER AND MUSCLE, AUTOSOMAL RECESSIVE; GSD IXb; PHOSPHORYLASE KINASE DEFICIENCY OF LIVER AND MUSCLE, AUTOSOMAL RECESSIVE. Identifiers: Orphanet 79240, MedGen C0543514, MONDO:0009868, OMIM 261750.

Allele frequency attached by ClinVar (database versions not stated): gnomAD exomes 0.00002 and 0.00005; ExAC 0.00003; gnomAD 0.00005 and 0.00006; TOPMed 0.00005; ESP Exome Variant Server 0.00008.
gnomAD v4.1: 87 of 1,613,256 alleles (0.0054%); highest among the groups gnomAD compares: Middle Eastern, 0.016%; no homozygotes.

Submissions (4):

Ambry Genetics
Classification: Uncertain significance for Inborn genetic diseases. Last evaluated: 2024-11-14. Review status: criteria provided, single submitter. Criteria: Ambry Variant Classification Scheme 2023. Collection method: clinical testing. Allele origin: germline.

GeneDx
Classification: Uncertain significance. Last evaluated: 2023-01-17. Review status: criteria provided, single submitter. Criteria: GeneDx Variant Classification Process June 2021. Collection method: clinical testing. Allele origin: germline. Affected: yes.
Comment: Has not been previously published as pathogenic or benign to our knowledge; In silico analysis supports that this missense variant has a deleterious effect on protein structure/function

Labcorp Genetics (formerly Invitae), Labcorp
Classification: Uncertain significance for Glycogen storage disease IXb. Last evaluated: 2022-05-25. Review status: criteria provided, single submitter. Criteria: Invitae Variant Classification Sherloc (09022015). Collection method: clinical testing. Allele origin: germline.
Comment: This sequence change replaces leucine, which is neutral and non-polar, with phenylalanine, which is neutral and non-polar, at codon 149 of the PHKB protein (p.Leu149Phe). This variant is present in population databases (rs370363309, gnomAD 0.006%). This variant has not been reported in the literature in individuals affected with PHKB-related conditions. ClinVar contains an entry for this variant (Variation ID: 884838). Algorithms developed to predict the effect of missense changes on protein structure and function are either unavailable or do not agree on the potential impact of this missense change (SIFT: "Deleterious"; PolyPhen-2: "Probably Damaging"; Align-GVGD: "Class C0"). In summary, the available evidence is currently insufficient to determine the role of this variant in disease. Therefore, it has been classified as a Variant of Uncertain Significance.

Illumina Laboratory Services, Illumina
Classification: Uncertain significance for Glycogen storage disease IXb. Last evaluated: 2018-01-13. Review status: criteria provided, single submitter. Criteria: ICSL Variant Classification Criteria 13 December 2019. Collection method: clinical testing. Allele origin: germline.